The following is an entry in ClinVar:

ClinVar aggregate classification (germline): Uncertain significance (1 of 4 stars; one submission).

Conditions:
Cystic fibrosis (CF). Also called: MUCOVISCIDOSIS. Identifiers: Orphanet 586, MedGen C0010674, MONDO:0009061, OMIM 219700. Disease mechanism: loss of function.

Submission:

Ambry Genetics
Classification: Uncertain significance for Cystic fibrosis. Last evaluated: 2025-06-07. Review status: criteria provided, single submitter. Criteria: Ambry Variant Classification Scheme 2023. Collection method: clinical testing. Allele origin: germline.
Comment: The p.E838G variant (also known as c.2513A>G), located in coding exon 15 of the CFTR gene, results from an A to G substitution at nucleotide position 2513. The glutamic acid at codon 838 is replaced by glycine, an amino acid with similar properties. This amino acid position is conserved. In addition, the in silico prediction for this alteration is inconclusive. Based on the available evidence, the clinical significance of this variant remains unclear.

NM_000492.4(CFTR):c.2513A>G (p.Glu838Gly)

Gene: CFTR (CF transmembrane conductance regulator; plus strand). Cytogenetic location: 7q31.2.
Variant type: single nucleotide variant.
Coding change: c.2513A>G on transcript NM_000492.4 (MANE Select); coding-DNA position 2513, A replaced by G.
Protein change: p.Glu838Gly; replaces glutamic acid 838 with glycine.
Molecular consequence: missense variant.
Genome position (GRCh38, 1-based): chr7:117,594,952, A>G. VCF-style: chr7-117594952-A-G. GRCh37 (hg19) VCF-style: chr7-117235006-A-G.
Other names: short protein forms E838G.
Identifiers: ClinVar variation 4001887 (VCV004001887.1).